The following is an entry in ClinVar:

NM_032730.5(RTN4IP1):c.138G>A (p.Trp46Ter)

Gene: RTN4IP1 (reticulon 4 interacting protein 1; minus strand). Cytogenetic location: 6q21.
Variant type: single nucleotide variant.
Coding change: c.138G>A on transcript NM_032730.5 (MANE Select); coding-DNA position 138, G replaced by A.
Protein change: p.Trp46Ter; replaces tryptophan 46 with a stop codon.
Molecular consequence: nonsense. On other transcripts: intron variant (1).
Genome position (GRCh38, 1-based): chr6:106,628,884, C>T on the plus strand (G>A on the coding strand, the complement: RTN4IP1 is on the minus strand). VCF-style: chr6-106628884-C-T. GRCh37 (hg19) VCF-style: chr6-107076759-C-T.
Other names: c.-27+1443G>A (NM_001318746.1); short protein forms W46*.
Identifiers: ClinVar variation 943679 (VCV000943679.7), dbSNP rs751989550, ClinGen allele CA3944581.

ClinVar aggregate classification (germline): Pathogenic (1 of 4 stars; one submission).

Allele frequency attached by ClinVar (database versions not stated): gnomAD exomes below 0.00001; ExAC 0.00001.
gnomAD v4.1: 4 of 1,614,110 alleles (0.00025%); highest among the groups gnomAD compares: South Asian, 0.0033%; no homozygotes.

Submission:

Labcorp Genetics (formerly Invitae), Labcorp
Classification: Pathogenic. Last evaluated: 2024-12-09. Review status: criteria provided, single submitter. Criteria: Invitae Variant Classification Sherloc (09022015). Collection method: clinical testing. Allele origin: germline.
Comment: This sequence change creates a premature translational stop signal (p.Trp46*) in the RTN4IP1 gene. It is expected to result in an absent or disrupted protein product. Loss-of-function variants in RTN4IP1 are known to be pathogenic (PMID: 26593267). This variant is present in population databases (rs751989550, gnomAD 0.003%). This variant has not been reported in the literature in individuals affected with RTN4IP1-related conditions. ClinVar contains an entry for this variant (Variation ID: 943679). For these reasons, this variant has been classified as Pathogenic.

Literature cited by the submitters: PubMed 26593267.